The following is an entry in ClinVar:

NM_001365536.1(SCN9A):c.902-2A>C

Genes: SCN1A-AS1 (SCN1A and SCN9A antisense RNA 1; plus strand), SCN9A (sodium voltage-gated channel alpha subunit 9; minus strand). Cytogenetic location: 2q24.3.
Variant type: single nucleotide variant.
Coding change: c.902-2A>C on transcript NM_001365536.1 (MANE Select); the canonical splice acceptor site of the intron before coding-DNA position 902, A replaced by C.
Molecular consequence: splice acceptor variant. On other transcripts: non-coding transcript variant (1).
Genome position (GRCh38, 1-based): chr2:166,294,664, T>G on the plus strand (A>C on the coding strand, the complement: SCN9A is on the minus strand). VCF-style: chr2-166294664-T-G. GRCh37 (hg19) VCF-style: chr2-167151174-T-G.
Other names: c.902-2A>C (NM_002977.4).
Identifiers: ClinVar variation 408576 (VCV000408576.16), dbSNP rs773824421, ClinGen allele CA1944633.
Genomic context (GRCh38, chr2:166,294,664, plus strand): 5'-ATCTGTGCTGAAACCACAAAGGAGAGCATCTTTGGATCCTTCCAAGTAATAAAAATATTC[T>G]GTTGAAGAAGAATTTGAACAGTTATAACATCACAGACTTTAATCTGTGATTGTGATAAAG-3'

ClinVar aggregate classification (germline): Conflicting classifications of pathogenicity. Review status: criteria provided, conflicting classifications (1 of 4 stars). 4 submissions from 4 submitters: Pathogenic (1); Likely pathogenic (2); Uncertain significance (1). Last evaluated 2026-01-12.

Conditions:
Channelopathy-associated congenital insensitivity to pain, autosomal recessive. Also called: Insensitivity to pain, channelopathy-associated; ASYMBOLIA FOR PAIN; CONGENITAL ANALGESIA, AUTOSOMAL RECESSIVE. Identifiers: Orphanet 88642, Orphanet 970, MedGen C1855739, MONDO:0009459, OMIM 243000.
Generalized epilepsy with febrile seizures plus, type 7 (GEFSP7). Also called: GEFS+, TYPE 7. Identifiers: Orphanet 36387, MedGen C2751778, MONDO:0013470, OMIM 613863.
Neuropathy, hereditary sensory and autonomic, type 2A (HSAN2A). Also called: ACROOSTEOLYSIS, GIACCAI TYPE; ACROOSTEOLYSIS, NEUROGENIC; MORVAN DISEASE; NEUROPATHY, CONGENITAL SENSORY; NEUROPATHY, HEREDITARY SENSORY RADICULAR, AUTOSOMAL RECESSIVE; NEUROPATHY, HEREDITARY SENSORY, TYPE IIA. Identifiers: Orphanet 970, MedGen C2752089, MONDO:0024309, OMIM 201300.

Allele frequency attached by ClinVar (database versions not stated): ExAC 0.00003; gnomAD exomes 0.00005 and 0.00002; TOPMed 0.00001.
gnomAD v4.1: 12 of 1,599,798 alleles (0.00075%); highest among the groups gnomAD compares: Admixed American, 0.02%; no homozygotes.

Submissions (4):

Labcorp Genetics (formerly Invitae), Labcorp
Classification: Pathogenic for Neuropathy, hereditary sensory and autonomic, type 2A; Generalized epilepsy with febrile seizures plus, type 7. Last evaluated: 2026-01-12. Review status: criteria provided, single submitter. Criteria: Invitae Variant Classification Sherloc (09022015). Collection method: clinical testing. Allele origin: germline.
Comment: This sequence change affects an acceptor splice site in intron 7 of the SCN9A gene. It is expected to disrupt RNA splicing. Variants that disrupt the donor or acceptor splice site typically lead to a loss of protein function (PMID: 16199547), and loss-of-function variants in SCN9A are known to be pathogenic (PMID: 17470132, 19304393). This variant is present in population databases (rs773824421, gnomAD 0.03%). Disruption of this splice site has been observed in individuals with clinical features of autosomal recessive hereditary sensory and autonomic neuropathy (internal data). ClinVar contains an entry for this variant (Variation ID: 408576). Algorithms developed to predict the effect of sequence changes on RNA splicing suggest that this variant may disrupt the consensus splice site. For these reasons, this variant has been classified as Pathogenic.

3billion
Classification: Likely pathogenic for Channelopathy-associated congenital insensitivity to pain, autosomal recessive. Last evaluated: 2025-11-17. Review status: criteria provided, single submitter. Criteria: ACMG Guidelines, 2015. Collection method: clinical testing. Allele origin: germline. Affected: yes.
Comment: The variant is observed at an extremely low frequency in the gnomAD v4.1.0 dataset (total allele frequency: <0.001%). Predicted Consequence/Location: Canonical splice site: predicted to alter splicing and result in a loss or disruption of normal protein function. Multiple pathogenic loss-of-function variants are reported downstream of the variant. In silico tools predict the variant to alter splicing and produce an abnormal transcript [SpliceAI: 0.87 (spliceogenicity >=0.2, non-spliceogenicity <0.1)]. The variant has been reported to be associated with SCN9A-related disorder (ClinVar ID: VCV000408576). Therefore, this variant is classified as Likely pathogenic according to the recommendation of ACMG/AMP guideline.

Revvity Omics, Revvity
Classification: Likely pathogenic. Last evaluated: 2020-10-19. Review status: criteria provided, single submitter. Criteria: ACMG Guidelines, 2015. Collection method: clinical testing. Allele origin: germline.

GeneDx
Classification: Uncertain significance. Last evaluated: 2020-05-14. Review status: criteria provided, single submitter. Criteria: GeneDx Variant Classification Process June 2021. Collection method: clinical testing. Allele origin: germline. Affected: yes.
Comment: Canonical splice site variant in a gene for which loss-of-function is a known mechanism of disease; Has not been previously published as pathogenic or benign to our knowledge

Literature cited by the submitters: PubMed 16199547 (cited by Labcorp Genetics (formerly Invitae), Labcorp); PubMed 17470132 (cited by Labcorp Genetics (formerly Invitae), Labcorp); PubMed 19304393 (cited by Labcorp Genetics (formerly Invitae), Labcorp); PubMed 31440721 (cited by 3billion).